The following is an entry in ClinVar:

NM_001267550.2(TTN):c.84181C>T (p.Pro28061Ser)

Genes: TTN (titin; minus strand), TTN-AS1 (TTN antisense RNA 1; plus strand). Cytogenetic location: 2q31.2.
Variant type: single nucleotide variant.
Coding change: c.84181C>T on transcript NM_001267550.2 (MANE Select); coding-DNA position 84181, C replaced by T.
Protein change: p.Pro28061Ser; replaces proline 28061 with serine.
Molecular consequence: missense variant.
Genome position (GRCh38, 1-based): chr2:178,561,951, G>A on the plus strand (C>T on the coding strand, the complement: TTN is on the minus strand). VCF-style: chr2-178561951-G-A. GRCh37 (hg19) VCF-style: chr2-179426678-G-A.
Other names: c.79258C>T, p.Pro26420Ser (NM_001256850.1); c.56986C>T, p.Pro18996Ser (NM_003319.4); c.76477C>T, p.Pro25493Ser (NM_133378.4); c.57361C>T, p.Pro19121Ser (NM_133432.3); c.57562C>T, p.Pro19188Ser (NM_133437.4); short protein forms P18996S, P28061S, P19188S, P19121S, P25493S, P26420S.
Identifiers: ClinVar variation 518964 (VCV000518964.5), dbSNP rs373806358, ClinGen allele CA349561876.
Genomic context (GRCh38, chr2:178,561,951, plus strand): 5'-ATTCTGGAGGATTCCAAGAAATGGTTATGCTGTCACAACTAACCTCATCAATACGTATAG[G>A]ACCTGGAGGTCCTGGTCTGTCAAGGACAATTATAGTAATAGGAACTGTTATGGATCCAGC-3'
Protein context (NP_001254479.2, residues 28051-28071): IVLDRPGPPG[Pro28061Ser]IRIDEVSCDS

ClinVar aggregate classification (germline): Uncertain significance (1 of 4 stars; one submission).

Conditions:
Cardiovascular phenotype. Identifiers: MedGen CN230736.

gnomAD v4.1: 2 of 1,613,196 alleles (0.00012%); highest among the groups gnomAD compares: East Asian, 0.0022%; no homozygotes.

Submission:

Ambry Genetics
Classification: Uncertain significance for Cardiovascular phenotype. Last evaluated: 2016-12-07. Review status: criteria provided, single submitter. Criteria: Ambry Variant Classification Scheme 2023. Collection method: clinical testing. Allele origin: germline.
Comment: The p.P18996S variant (also known as c.56986C>T), located in coding exon 153 of the TTN gene, results from a C to T substitution at nucleotide position 56986. The proline at codon 18996 is replaced by serine, an amino acid with similar properties, and is located in the A-band region of the N2-B isoform of the titin protein. This amino acid position is not well conserved in available vertebrate species. In addition, this alteration is predicted to be tolerated by in silico analysis. Since supporting evidence is limited at this time, the clinical significance of this alteration remains unclear.